The following is an entry in ClinVar:

NM_024422.6(DSC2):c.1531T>G (p.Leu511Val)

Gene: DSC2 (desmocollin 2; minus strand). Cytogenetic location: 18q12.1.
Variant type: single nucleotide variant.
Coding change: c.1531T>G on transcript NM_024422.6 (MANE Select); coding-DNA position 1531, T replaced by G.
Protein change: p.Leu511Val; replaces leucine 511 with valine.
Molecular consequence: missense variant.
Genome position (GRCh38, 1-based): chr18:31,079,979, A>C on the plus strand (T>G on the coding strand, the complement: DSC2 is on the minus strand). VCF-style: chr18-31079979-A-C. GRCh37 (hg19) VCF-style: chr18-28659945-A-C.
Other names: c.1102T>G, p.Leu368Val (NM_001406506.1, NM_001406507.1); c.1531T>G, p.Leu511Val (NM_004949.5); short protein forms L368V, L511V.
Identifiers: ClinVar variation 3072023 (VCV003072023.1), dbSNP rs2510946704, ClinGen allele CA402108277.

ClinVar aggregate classification (germline): Uncertain significance (1 of 4 stars; one submission).

Conditions:
Familial isolated arrhythmogenic right ventricular dysplasia. Identifiers: Orphanet 217656, MedGen C4274968, MONDO:0016342.

Submission:

All of Us Research Program, National Institutes of Health
Classification: Uncertain significance for Familial isolated arrhythmogenic right ventricular dysplasia. Last evaluated: 2023-06-26. Review status: criteria provided, single submitter. Criteria: ACMG Guidelines, 2015. Collection method: clinical testing. Allele origin: germline. Inheritance: Autosomal dominant inheritance. Observed: 1 variant allele, 1 heterozygote.
Comment: This missense variant replaces leucine with valine at codon 511 of the DSC2 protein. Computational prediction suggests that this variant may not impact protein structure and function (internally defined REVEL score threshold <= 0.5, PMID: 27666373). To our knowledge, functional studies have not been reported for this variant. This variant has not been reported in individuals affected with DSC2-related disorders in the literature. This variant has not been identified in the general population by the Genome Aggregation Database (gnomAD). The available evidence is insufficient to determine the role of this variant in disease conclusively. Therefore, this variant is classified as a Variant of Uncertain Significance.

This study involves interpretation of variants in research participants for the purpose of population health screening. Participant phenotype was not available at the time of variant classification. Additional details can be found in publication PMID: 35346344, PMCID: PMC8962531